The following is an entry in ClinVar:

NM_201384.3(PLEC):c.10612T>C (p.Leu3538=)

Gene: PLEC (plectin; minus strand). Cytogenetic location: 8q24.3.
Variant type: single nucleotide variant.
Coding change: c.10612T>C on transcript NM_201384.3 (MANE Select); coding-DNA position 10612, T replaced by C.
Protein change: p.Leu3538=; no amino-acid change (leucine 3538 retained).
Molecular consequence: synonymous variant.
Genome position (GRCh38, 1-based): chr8:143,919,209, A>G on the plus strand (T>C on the coding strand, the complement: PLEC is on the minus strand). VCF-style: chr8-143919209-A-G. GRCh37 (hg19) VCF-style: chr8-144993377-A-G.
Other names: p.Leu3524=; c.10693T>C, p.Leu3565= (NM_000445.5); c.10570T>C, p.Leu3524= (NM_201378.4); c.10546T>C, p.Leu3516= (NM_201379.3); c.11023T>C, p.Leu3675= (NM_201380.4); c.10516T>C, p.Leu3506= (NM_201381.3); c.10612T>C, p.Leu3538= (NM_201382.4); c.10624T>C, p.Leu3542= (NM_201383.3).
Identifiers: ClinVar variation 93018 (VCV000093018.30), dbSNP rs6992333, ClinGen allele CA146196.
Genomic context (GRCh38, chr8:143,919,209, plus strand): 5'-ACACCTGCGTGGTCTCCACCACCTCAGCCTTCTCCGCCCCTTTCAGTGGCAGAAGGCGCA[A>G]GCCCGTCTCGGGGTCCTCCACGCACCGCTCCAGCAGCTGCCTGTACGTGAGGTTCTCATG-3'
Protein context (NP_958786.1, residues 3528-3548): ERCVEDPETG[Leu3538=]RLLPLKGAEK

ClinVar aggregate classification (germline): Benign. Review status: criteria provided, multiple submitters, no conflicts (2 of 4 stars). 15 submissions from 11 submitters: Benign (14). 1 of the submissions does not count toward it. Last evaluated 2026-02-04.

Conditions:
Autosomal recessive limb-girdle muscular dystrophy type 2Q (LGMDR17). Also called: MUSCULAR DYSTROPHY, LIMB-GIRDLE, AUTOSOMAL RECESSIVE 17. Identifiers: Orphanet 254361, MedGen C3150989, MONDO:0013390, OMIM 613723.
Epidermolysis bullosa simplex 5C, with pyloric atresia (EBS5C). Also called: PLEC-Related Epidermolysis Bullosa with Pyloric Atresia; Epidermolysis bullosa simplex with pyloric atresia; PLEC1-Related Epidermolysis Bullosa with Pyloric Atresia. Identifiers: Orphanet 158684, MedGen C2677349, MONDO:0012807, OMIM 612138.
Epidermolysis bullosa simplex 5B, with muscular dystrophy (EBS5B). Also called: EPIDERMOLYSIS BULLOSA SIMPLEX AND LIMB-GIRDLE MUSCULAR DYSTROPHY; Epidermolysis bullosa simplex with muscular dystrophy. Identifiers: Orphanet 257, MedGen C2931072, MONDO:0009181, OMIM 226670.
Epidermolysis bullosa simplex with nail dystrophy (EBS5D). Identifiers: MedGen C4225309, MONDO:0014661, OMIM 616487.
Epidermolysis bullosa simplex, Ogna type (EBS5A). Also called: EPIDERMOLYSIS BULLOSA SIMPLEX 5A, OGNA TYPE; Pidermolysis bullosa simplex 5A, Ogna type. Identifiers: Orphanet 79401, MedGen C0432317, MONDO:0007555, OMIM 131950.

Allele frequency attached by ClinVar (database versions not stated): 1000 Genomes Project 0.47185; 1000 Genomes Project 30x 0.48751; TOPMed 0.53354; ESP Exome Variant Server 0.56213.
gnomAD v4.1: 698,799 of 1,613,426 alleles (43%); highest among the groups gnomAD compares: African/African-American, 84%; 160,755 homozygotes.

Submissions (15):

Labcorp Genetics (formerly Invitae), Labcorp
Classification: Benign for Autosomal recessive limb-girdle muscular dystrophy type 2Q; Epidermolysis bullosa simplex, Ogna type; Epidermolysis bullosa simplex with nail dystrophy; Epidermolysis bullosa simplex 5C, with pyloric atresia; Epidermolysis bullosa simplex 5B, with muscular dystrophy. Last evaluated: 2026-02-04. Review status: criteria provided, single submitter. Criteria: Invitae Variant Classification Sherloc (09022015). Collection method: clinical testing. Allele origin: germline.

Blueprint Genetics
Classification: Benign. Last evaluated: 2024-11-27. Review status: criteria provided, single submitter. Criteria: ACMG Guidelines, 2015. Collection method: clinical testing. Allele origin: germline.

Genome-Nilou Lab
Classification: Benign for Epidermolysis bullosa simplex with nail dystrophy. Last evaluated: 2021-10-25. Review status: criteria provided, single submitter. Criteria: ACMG Guidelines, 2015. Collection method: clinical testing. Allele origin: germline. Affected: no.

Genome-Nilou Lab
Classification: Benign for Epidermolysis bullosa simplex, Ogna type. Last evaluated: 2021-10-25. Review status: criteria provided, single submitter. Criteria: ACMG Guidelines, 2015. Collection method: clinical testing. Allele origin: germline. Affected: no.

Genome-Nilou Lab
Classification: Benign for Epidermolysis bullosa simplex 5B, with muscular dystrophy. Last evaluated: 2021-10-25. Review status: criteria provided, single submitter. Criteria: ACMG Guidelines, 2015. Collection method: clinical testing. Allele origin: germline. Affected: no.

Genome-Nilou Lab
Classification: Benign for Epidermolysis bullosa simplex 5C, with pyloric atresia. Last evaluated: 2021-10-25. Review status: criteria provided, single submitter. Criteria: ACMG Guidelines, 2015. Collection method: clinical testing. Allele origin: germline. Affected: no.

Genome-Nilou Lab
Classification: Benign for Autosomal recessive limb-girdle muscular dystrophy type 2Q. Last evaluated: 2021-10-25. Review status: criteria provided, single submitter. Criteria: ACMG Guidelines, 2015. Collection method: clinical testing. Allele origin: germline. Affected: no.

Athena Diagnostics
Classification: Benign. Last evaluated: 2018-12-14. Review status: criteria provided, single submitter. Criteria: Athena Diagnostics Criteria. Collection method: clinical testing. Allele origin: germline.

Mayo Clinic Laboratories, Mayo Clinic
Classification: Benign. Last evaluated: 2017-07-24. Review status: criteria provided, single submitter. Criteria: ACMG Guidelines, 2015. Collection method: clinical testing. Allele origin: germline. Observed: 924 variant alleles.

GeneDx
Classification: Benign. Last evaluated: 2015-03-03. Review status: criteria provided, single submitter. Criteria: GeneDx Variant Classification Process June 2021. Collection method: clinical testing. Allele origin: germline. Affected: yes.

Laboratory for Molecular Medicine, Mass General Brigham Personalized Medicine
Classification: Benign. Last evaluated: 2015-01-13. Review status: criteria provided, single submitter. Criteria: LMM Criteria. Collection method: clinical testing. Allele origin: germline. Observed: 10 variant alleles.
Comment: p.Leu3675Leu in exon 32 of PLEC: This variant is not expected to have clinical s ignificance because it does not alter an amino acid residue and is not located w ithin the splice consensus sequence. It has been identified in 42.9% (3601/8402) of European American chromosomes from a broad population by the NHLBI Exome Seq uencing Project (dbSNP rs6992333).

Eurofins Ntd Llc (ga)
Classification: Benign. Last evaluated: 2014-05-21. Review status: criteria provided, single submitter. Criteria: EGL Classification Definitions 2015. Collection method: clinical testing. Allele origin: germline. Observed: 14 variant alleles, 9 heterozygotes, 5 homozygotes.

Breakthrough Genomics
Classification: Benign. Review status: criteria provided, single submitter. Criteria: ACMG Guidelines, 2015. Collection method: not provided. Allele origin: germline. Inheritance: Autosomal recessive inheritance. Affected: yes.

PreventionGenetics, part of Exact Sciences
Classification: Benign. Review status: criteria provided, single submitter. Criteria: ACMG Guidelines, 2015. Collection method: clinical testing. Allele origin: germline.

Genetic Services Laboratory, University of Chicago
Classification: Likely benign for AllHighlyPenetrant. Review status: no assertion criteria provided. Collection method: clinical testing. Allele origin: germline. Inheritance: Autosomal recessive inheritance. Not counted in ClinVar's aggregate classification.
Comment: Likely benign based on allele frequency in 1000 Genomes Project or ESP global frequency and its presence in a patient with a rare or unrelated disease phenotype. NOT Sanger confirmed.